The following is an entry in ClinVar:

NM_001347721.2(DYRK1A):c.1235G>A (p.Arg412His)

Gene: DYRK1A (dual specificity tyrosine phosphorylation regulated kinase 1A; plus strand). Cytogenetic location: 21q22.13.
Variant type: single nucleotide variant.
Coding change: c.1235G>A on transcript NM_001347721.2 (MANE Select); coding-DNA position 1235, G replaced by A.
Protein change: p.Arg412His; replaces arginine 412 with histidine.
Molecular consequence: missense variant.
Genome position (GRCh38, 1-based): chr21:37,505,305, G>A. VCF-style: chr21-37505305-G-A. GRCh37 (hg19) VCF-style: chr21-38877608-G-A.
Other names: c.1235G>A, p.Arg412His (NM_001347722.2, NM_130436.2); c.1148G>A, p.Arg383His (NM_001347723.2); c.1262G>A, p.Arg421His (NM_001396.5, NM_101395.2, NM_130438.2); short protein forms R383H, R421H, R412H.
Identifiers: ClinVar variation 964511 (VCV000964511.6), dbSNP rs202011970, ClinGen allele CA320464485.

ClinVar aggregate classification (germline): Conflicting classifications of pathogenicity. Review status: criteria provided, conflicting classifications (1 of 4 stars). 2 submissions from 2 submitters: Likely pathogenic (1); Uncertain significance (1). Last evaluated 2026-03-27.

Conditions:
DYRK1A-related intellectual disability syndrome (MRD7). Also called: DYRK1A Syndrome; Intellectual developmental disorder, autosomal dominant 7. Identifiers: Orphanet 464306, MedGen C5568143, MONDO:0013578, OMIM 614104.

Allele frequency attached by ClinVar (database versions not stated): gnomAD exomes below 0.00001; TOPMed below 0.00001.
gnomAD v4.1: 5 of 1,612,500 alleles (0.00031%); highest among the groups gnomAD compares: Non-Finnish European, 0.00042%; no homozygotes.

Submissions (2):

GeneDx
Classification: Uncertain significance. Last evaluated: 2026-03-27. Review status: criteria provided, single submitter. Criteria: GeneDx Variant Classification Process June 2021. Collection method: clinical testing. Allele origin: germline.
Comment: Not observed at significant frequency in large population cohorts (gnomAD); In silico analysis supports that this missense variant has a deleterious effect on protein structure/function; Has not been previously published as pathogenic or benign to our knowledge

Labcorp Genetics (formerly Invitae), Labcorp
Classification: Likely pathogenic for DYRK1A-related intellectual disability syndrome. Last evaluated: 2021-09-01. Review status: criteria provided, single submitter. Criteria: Invitae Variant Classification Sherloc (09022015). Collection method: clinical testing. Allele origin: germline.